The following is an entry in ClinVar:

NM_018406.7(MUC4):c.3685C>G (p.His1229Asp)

Gene: MUC4 (mucin 4, cell surface associated). Cytogenetic location: 3q29.
Variant type: single nucleotide variant.
Coding change: c.3685C>G on transcript NM_018406.7 (MANE Select); coding-DNA position 3685, C replaced by G.
Protein change: p.His1229Asp; replaces histidine 1229 with aspartic acid.
Molecular consequence: missense variant. On other transcripts: genic upstream transcript variant (2).
Genome position (GRCh38, 1-based): chr3:195,787,895, G>C on the plus strand (C>G on the coding strand, the complement: MUC4 is on the minus strand). VCF-style: chr3-195787895-G-C. GRCh37 (hg19) VCF-style: chr3-195514766-G-C.
Other names: c.4516C>G, p.His1506Asp (NM_001322468.1); c.83-13590C>G (NM_138297.5); c.83-9440C>G (NM_004532.6); short protein forms H1229D, H1506D.
Identifiers: ClinVar variation 2672979 (VCV002672979.23), dbSNP rs199867690, ClinGen allele CA2774484.

ClinVar aggregate classification (germline): Likely benign (1 of 4 stars; one submission).

Allele frequency attached by ClinVar (database versions not stated): 1000 Genomes Project 0.00100.

Submission:

CeGaT Center for Human Genetics Tuebingen
Classification: Likely benign. Last evaluated: 2023-11-01. Review status: criteria provided, single submitter. Criteria: CeGaT Center For Human Genetics Tuebingen Variant Classification Criteria Version 2. Collection method: clinical testing. Allele origin: germline. Affected: yes. Observed: 1 variant allele.
Comment: MUC4: BP4, BS2